The following is an entry in ClinVar:

ClinVar aggregate classification (germline): Benign/Likely benign. Review status: criteria provided, multiple submitters, no conflicts (2 of 4 stars). 6 submissions from 6 submitters: Benign (3); Likely benign (3). Last evaluated 2026-09-01.

Conditions:
Cardiovascular phenotype. Identifiers: MedGen CN230736.

Allele frequency attached by ClinVar (database versions not stated): ESP Exome Variant Server 0.01147; gnomAD exomes 0.00118; 1000 Genomes Project 30x 0.01046; 1000 Genomes Project 0.01078; TOPMed 0.01104; gnomAD 0.01131.
gnomAD v4.1: 3,413 of 1,610,130 alleles (0.21%); highest among the groups gnomAD compares: African/African-American, 3.7%; 49 homozygotes.

Submissions (6):

CeGaT Center for Human Genetics Tuebingen
Classification: Benign. Last evaluated: 2026-09-01. Review status: criteria provided, single submitter. Criteria: CeGaT Center For Human Genetics Tuebingen Variant Classification Criteria Version 2. Collection method: clinical testing. Allele origin: germline. Affected: yes. Observed: 1 variant allele.
Comment: APOA5: BP4, BS1, BS2

Labcorp Genetics (formerly Invitae), Labcorp
Classification: Benign. Last evaluated: 2026-02-02. Review status: criteria provided, single submitter. Criteria: Invitae Variant Classification Sherloc (09022015). Collection method: clinical testing. Allele origin: germline.

GeneDx
Classification: Likely benign. Last evaluated: 2021-04-28. Review status: criteria provided, single submitter. Criteria: GeneDx Variant Classification Process June 2021. Collection method: clinical testing. Allele origin: germline. Affected: yes.

Ambry Genetics
Classification: Benign for Cardiovascular phenotype. Last evaluated: 2021-02-05. Review status: criteria provided, single submitter. Criteria: Ambry Variant Classification Scheme 2023. Collection method: clinical testing. Allele origin: germline.

Women's Health and Genetics/Laboratory Corporation of America, LabCorp
Classification: Likely benign. Last evaluated: 2017-07-21. Review status: criteria provided, single submitter. Criteria: LabCorp Variant Classification Summary - May 2015. Collection method: clinical testing. Allele origin: germline.
Comment: Variant summary: The APOA5 c.111C>A (p.Asp37Glu) variant involves the alteration of a non-conserved nucleotide. 4/4 in silico tools predict a benign outcome for this variant (SNPsandGO not captured due to low reliability index). This variant was found in 377/95056 control chromosomes (7 homozygotes) including ExAC, predominantly observed in the African subpopulation at a frequency of 0.042891 (330/7694). This frequency is about 643 times the estimated maximal expected allele frequency of a pathogenic APOA5 variant (0.0000667), thus this is a polymorphism found primarily in the populations of African origin. A case-control study indicates that the variants prevalence is increased in myocardial infarction cases than in controls (Do_2015). No further studies are found to replicate this finding. Taken together, this variant is currently classified as likely benign.

Breakthrough Genomics
Classification: Likely benign. Review status: criteria provided, single submitter. Criteria: ACMG Guidelines, 2015. Collection method: not provided. Allele origin: germline. Inheritance: Autosomal dominant inheritance. Affected: yes.

Literature cited by the submitters: PubMed 25487149 (cited by Women's Health and Genetics/Laboratory Corporation of America, LabCorp).

NM_001371904.1(APOA5):c.111C>A (p.Asp37Glu)

Genes: APOA5 (apolipoprotein A5; minus strand), LOC108491825 (enhancer-blocking element 11-1-2 overlapping APOA5; plus strand). Cytogenetic location: 11q23.3.
Variant type: single nucleotide variant.
Coding change: c.111C>A on transcript NM_001371904.1 (MANE Select); coding-DNA position 111, C replaced by A.
Protein change: p.Asp37Glu; replaces aspartic acid 37 with glutamic acid.
Molecular consequence: missense variant.
Genome position (GRCh38, 1-based): chr11:116,791,636, G>T on the plus strand (C>A on the coding strand, the complement: APOA5 is on the minus strand). VCF-style: chr11-116791636-G-T. GRCh37 (hg19) VCF-style: chr11-116662352-G-T.
Other names: c.111C>A, p.Asp37Glu (NM_001166598.2, NM_052968.5); short protein forms D37E.
Identifiers: ClinVar variation 496494 (VCV000496494.17), dbSNP rs34282181, ClinGen allele CA6289156.